The following is an entry in ClinVar:

NM_003076.5(SMARCD1):c.565A>G (p.Thr189Ala)

Gene: SMARCD1 (SWI/SNF related BAF chromatin remodeling complex subunit D1; plus strand). Cytogenetic location: 12q13.12.
Variant type: single nucleotide variant.
Coding change: c.565A>G on transcript NM_003076.5 (MANE Select); coding-DNA position 565, A replaced by G.
Protein change: p.Thr189Ala; replaces threonine 189 with alanine.
Molecular consequence: missense variant.
Genome position (GRCh38, 1-based): chr12:50,087,396, A>G. VCF-style: chr12-50087396-A-G. GRCh37 (hg19) VCF-style: chr12-50481179-A-G.
Other names: c.565A>G, p.Thr189Ala (NM_139071.3); short protein forms T189A.
Identifiers: ClinVar variation 4170296 (VCV004170296.2).

ClinVar aggregate classification (germline): Uncertain significance (1 of 4 stars; one submission).

Conditions:
Inborn genetic diseases. Identifiers: MedGen C0950123, MeSH D030342.

Submission:

Ambry Genetics
Classification: Uncertain significance for Inborn genetic diseases. Last evaluated: 2025-10-21. Review status: criteria provided, single submitter. Criteria: Ambry Variant Classification Scheme 2023. Collection method: clinical testing. Allele origin: germline.
Comment: The c.565A>G (p.T189A) alteration is located in exon 5 (coding exon 5) of the SMARCD1 gene. This alteration results from an A to G substitution at nucleotide position 565, causing the threonine (T) at amino acid position 189 to be replaced by an alanine (A). This variant was not reported in population-based cohorts in the Genome Aggregation Database (gnomAD). This amino acid position is highly conserved in available vertebrate species. This missense alteration is located in a region that has a low rate of benign missense variation (Lek, 2016; Firth, 2009). This alteration is predicted to be deleterious by in silico analysis. Based on insufficient or conflicting evidence, the clinical significance of this alteration remains unclear.